The following is an entry in ClinVar:

ClinVar aggregate classification (germline): Pathogenic (1 of 4 stars; one submission).

Conditions:
Xeroderma pigmentosum, group C (XPC). Also called: XERODERMA PIGMENTOSUM III; XP, GROUP C; Xeroderma pigmentosum, complementation group C; XPC-Related Xeroderma Pigmentosum. Identifiers: Orphanet 910, MedGen C2752147, MONDO:0010211, OMIM 278720.

Submission:

Myriad Genetics, Inc.
Classification: Pathogenic for Xeroderma pigmentosum, group C. Last evaluated: 2026-08-20. Review status: criteria provided, single submitter. Criteria: Myriad Autosomal Dominant, Autosomal Recessive and X-Linked Classification Criteria (2023). Collection method: clinical testing. Allele origin: unknown.
Comment: NM_004628.4(XPC):c.464delG(R155Hfs*6) is a frameshift variant classified as pathogenic in the context of xeroderma pigmentosum group C. R155Hfs*6 has not been observed in cases with relevant disease. Relevant functional assessments of this variant are not available in the literature. R155Hfs*6 has not been observed in referenced population frequency databases. In summary, NM_004628.4(XPC):c.464delG(R155Hfs*6) is a frameshift variant in a gene where loss of function is a known mechanism of disease and is predicted to disrupt protein function. Please note: this variant was assessed in the context of healthy population screening.

NM_004628.5(XPC):c.464del (p.Arg155fs)

Gene: XPC (XPC complex subunit, DNA damage recognition and repair factor; minus strand). Cytogenetic location: 3p25.1.
Variant type: Deletion.
Coding change: c.464del on transcript NM_004628.5 (MANE Select); coding-DNA position 464, one base deleted (G; older notation c.464delG).
Protein change: p.Arg155fs; shifts the reading frame from arginine 155.
Molecular consequence: frameshift variant. On other transcripts: non-coding transcript variant (1), intron variant (1).
Genome position (GRCh38, 1-based): chr3:14,168,329, C deleted on the plus strand (G on the coding strand, the reverse complement: XPC is on the minus strand). VCF-style (leftmost placement, unchanged base first): chr3-14168328-TC-T. GRCh37 (hg19) VCF-style: chr3-14209828-TC-T.
Other names: c.464del, p.Arg155fs (NM_001354727.2, NM_001354730.2); c.446del, p.Arg149fs (NM_001354729.2); c.-43-1076del (NM_001354726.2); short protein forms R149fs, R155fs.
Identifiers: ClinVar variation 5004862 (VCV005004862.1).